The following is an entry in ClinVar:

NM_001042492.3(NF1):c.3528A>C (p.Arg1176Ser)

Gene: NF1 (neurofibromin 1; plus strand). Cytogenetic location: 17q11.2.
Variant type: single nucleotide variant.
Coding change: c.3528A>C on transcript NM_001042492.3 (MANE Select); coding-DNA position 3528, A replaced by C.
Protein change: p.Arg1176Ser; replaces arginine 1176 with serine.
Molecular consequence: missense variant.
Genome position (GRCh38, 1-based): chr17:31,233,033, A>C. VCF-style: chr17-31233033-A-C. GRCh37 (hg19) VCF-style: chr17-29560051-A-C.
Other names: c.3528A>C, p.Arg1176Ser (NM_000267.4); short protein forms R1176S.
Identifiers: ClinVar variation 1720070 (VCV001720070.5), dbSNP rs2151435335, ClinGen allele CA398989822.

ClinVar aggregate classification (germline): Uncertain significance (1 of 4 stars; one submission).

Conditions:
Neurofibromatosis, type 1 (NF1). Also called: Peripheral type neurofibromatosis; VON RECKLINGHAUSEN DISEASE; NEUROFIBROMATOSIS, TYPE I, SOMATIC; Neurofibromatosis, type I. Identifiers: Orphanet 636, MedGen C0027831, MONDO:0018975, OMIM 162200. Disease mechanism: loss of function.

Submission:

Labcorp Genetics (formerly Invitae), Labcorp
Classification: Uncertain significance for Neurofibromatosis, type 1. Last evaluated: 2022-09-22. Review status: criteria provided, single submitter. Criteria: Invitae Variant Classification Sherloc (09022015). Collection method: clinical testing. Allele origin: germline.
Comment: This sequence change replaces arginine, which is basic and polar, with serine, which is neutral and polar, at codon 1176 of the NF1 protein (p.Arg1176Ser). This variant is not present in population databases (gnomAD no frequency). This variant has not been reported in the literature in individuals affected with NF1-related conditions. Advanced modeling of protein sequence and biophysical properties (such as structural, functional, and spatial information, amino acid conservation, physicochemical variation, residue mobility, and thermodynamic stability) performed at Invitae indicates that this missense variant is expected to disrupt NF1 protein function. In summary, the available evidence is currently insufficient to determine the role of this variant in disease. Therefore, it has been classified as a Variant of Uncertain Significance.